The following is an entry in ClinVar:

ClinVar aggregate classification (germline): Conflicting classifications of pathogenicity. Review status: criteria provided, conflicting classifications (1 of 4 stars). 5 submissions from 5 submitters: Uncertain significance (2); Benign (1); Likely benign (2). Last evaluated 2026-05-18.

Conditions:
PDHX-related disorder. Also called: PDHX-related condition.
Pyruvate dehydrogenase E3-binding protein deficiency (PDHXD). Also called: Lacticacidemia due to PDX1 deficiency; LACTIC ACIDEMIA DUE TO DEFECT IN LIPOYL-CONTAINING COMPONENT X OF THE PYRUVATE DEHYDROGENASE COMPLEX; E3-Binding Protein (Component X) Deficiency; PYRUVATE HYDROGENASE E3-BINDING PROTEIN DEFICIENCY. Identifiers: Orphanet 255182, MedGen C1855553, MONDO:0009503, OMIM 245349.

Allele frequency attached by ClinVar (database versions not stated): ESP Exome Variant Server 0.00031; gnomAD 0.00039 and 0.00045; gnomAD exomes 0.00047 and 0.00070; TOPMed 0.00060; ExAC 0.00067; 1000 Genomes Project 30x 0.00078; 1000 Genomes Project 0.00100.

Submissions (5):

PreventionGenetics, part of Exact Sciences
Classification: Likely benign for PDHX-related condition. Last evaluated: 2026-05-18. Review status: criteria provided, single submitter. Criteria: ACMG Guidelines, 2015. Collection method: clinical testing. Allele origin: germline.
Comment: This variant is classified as likely benign based on ACMG/AMP sequence variant interpretation guidelines (Richards et al. 2015 PMID: 25741868, with internal and published modifications).

Labcorp Genetics (formerly Invitae), Labcorp
Classification: Benign. Last evaluated: 2026-01-22. Review status: criteria provided, single submitter. Criteria: Invitae Variant Classification Sherloc (09022015). Collection method: clinical testing. Allele origin: germline.

GeneDx
Classification: Likely benign. Last evaluated: 2020-01-27. Review status: criteria provided, single submitter. Criteria: GeneDx Variant Classification Process June 2021. Collection method: clinical testing. Allele origin: germline. Affected: yes.

Illumina Laboratory Services, Illumina
Classification: Uncertain significance for Pyruvate dehydrogenase E3-binding protein deficiency. Last evaluated: 2018-01-13. Review status: criteria provided, single submitter. Criteria: ICSL Variant Classification Criteria 13 December 2019. Collection method: clinical testing. Allele origin: germline.

CeGaT Center for Human Genetics Tuebingen
Classification: Uncertain significance. Last evaluated: 2017-08-01. Review status: criteria provided, single submitter. Criteria: CeGaT Center For Human Genetics Tuebingen Variant Classification Criteria Version 2. Collection method: clinical testing. Allele origin: germline. Affected: yes. Observed: 1 variant allele.

NM_003477.3(PDHX):c.749C>T (p.Thr250Ile)

Gene: PDHX (pyruvate dehydrogenase complex component X; plus strand). Cytogenetic location: 11p13.
Variant type: single nucleotide variant.
Coding change: c.749C>T on transcript NM_003477.3 (MANE Select); coding-DNA position 749, C replaced by T.
Protein change: p.Thr250Ile; replaces threonine 250 with isoleucine.
Molecular consequence: missense variant. On other transcripts: intron variant (1).
Genome position (GRCh38, 1-based): chr11:34,966,747, C>T. VCF-style: chr11-34966747-C-T. GRCh37 (hg19) VCF-style: chr11-34988294-C-T.
Other names: p.T250I:ACA>ATA; c.569C>T, p.Thr190Ile (NM_001135024.2); c.343-17823C>T (NM_001166158.2); short protein forms T250I, T190I.
Identifiers: ClinVar variation 214963 (VCV000214963.60), dbSNP rs146876119, ClinGen allele CA320294.
Genomic context (GRCh38, chr11:34,966,747, plus strand): 5'-AGTCCAGACCAACTCCAGCCCCCACAGCCACTCCCACAGCACCTTCGCCCCTACAGGCCA[C>T]AGCTGGACCATCTTATCCCCGGCCTGTGATCCCACCAGTATCAACTCCTGGACAACCCAA-3'
Protein context (NP_003468.2, residues 240-260): TPTAPSPLQA[Thr250Ile]AGPSYPRPVI